The following is an entry in ClinVar:

NM_004168.4(SDHA):c.1974G>A (p.Pro658=)

Gene: SDHA (succinate dehydrogenase complex flavoprotein subunit A; plus strand). Cytogenetic location: 5p15.33.
Variant type: single nucleotide variant.
Coding change: c.1974G>A on transcript NM_004168.4 (MANE Select); coding-DNA position 1974, G replaced by A.
Protein change: p.Pro658=; no amino-acid change (proline 658 retained).
Molecular consequence: synonymous variant.
Genome position (GRCh38, 1-based): chr5:256,399, G>A. VCF-style: chr5-256399-G-A. GRCh37 (hg19) VCF-style: chr5-256514-G-A.
Other names: c.1830G>A, p.Pro610= (NM_001294332.2); c.1731G>A, p.Pro577= (NM_001330758.2).
Identifiers: ClinVar variation 472379 (VCV000472379.20), dbSNP rs1042446, ClinGen allele CA3173477.
Genomic context (GRCh38, chr5:256,399, plus strand): 5'-TCTGGAATATAGACCCGTGATCGACAAAACTTTGAACGAGGCTGACTGTGCCACCGTCCC[G>A]CCAGCCATTCGCTCCTACTGATGAGACAAGATGTGGTGATGACAGAATCAGCTTTTGTAA-3'
Protein context (NP_004159.2, residues 648-664): TLNEADCATV[Pro658=]PAIRSY

ClinVar aggregate classification (germline): Benign/Likely benign. Review status: criteria provided, multiple submitters, no conflicts (2 of 4 stars). 6 submissions from 6 submitters: Benign (1); Likely benign (5). Last evaluated 2025-12-31.

Conditions:
SDHA-related disorder. Also called: SDHA-related condition; SDHA-related disorders.
Pheochromocytoma/paraganglioma syndrome 5. Also called: Paragangliomas 5; SDHA-Related Hereditary Paraganglioma-Pheochromocytoma Syndrome. Identifiers: Orphanet 29072, MedGen C3279992, MONDO:0013602, OMIM 614165.
Mitochondrial complex II deficiency, nuclear type 1. Also called: SUCCINATE CoQ REDUCTASE DEFICIENCY. Identifiers: Orphanet 3208, MedGen C5700310, MONDO:0100294, OMIM 252011.
Hereditary cancer-predisposing syndrome. Also called: Neoplastic Syndromes, Hereditary; Hereditary Cancer Syndrome; Tumor predisposition; Hereditary neoplastic syndrome. Identifiers: Orphanet 140162, MedGen C0027672, MeSH D009386, MONDO:0015356.

Allele frequency attached by ClinVar (database versions not stated): gnomAD 0.00001; gnomAD exomes 0.00001; ESP Exome Variant Server 0.00008.
gnomAD v4.1: 20 of 1,443,914 alleles (0.0014%); highest among the groups gnomAD compares: Admixed American, 0.0053%; no homozygotes.

Submissions (6):

Labcorp Genetics (formerly Invitae), Labcorp
Classification: Likely benign for Pheochromocytoma/paraganglioma syndrome 5; Mitochondrial complex II deficiency, nuclear type 1. Last evaluated: 2025-12-31. Review status: criteria provided, single submitter. Criteria: Invitae Variant Classification Sherloc (09022015). Collection method: clinical testing. Allele origin: germline.

Myriad Genetics, Inc.
Classification: Benign for Pheochromocytoma/paraganglioma syndrome 5. Last evaluated: 2025-03-11. Review status: criteria provided, single submitter. Criteria: Myriad Autosomal Dominant, Autosomal Recessive and X-Linked Classification Criteria (2023). Collection method: clinical testing. Allele origin: unknown.
Comment: This variant is considered benign. This variant is a silent/synonymous amino acid change and it is not expected to impact splicing.

PreventionGenetics, part of Exact Sciences
Classification: Likely benign for SDHA-related condition. Last evaluated: 2024-12-09. Review status: criteria provided, single submitter. Criteria: ACMG Guidelines, 2015. Collection method: clinical testing. Allele origin: germline.
Comment: This variant is classified as likely benign based on ACMG/AMP sequence variant interpretation guidelines (Richards et al. 2015 PMID: 25741868, with internal and published modifications).

Women's Health and Genetics/Laboratory Corporation of America, LabCorp
Classification: Likely benign. Last evaluated: 2024-04-08. Review status: criteria provided, single submitter. Criteria: LabCorp Variant Classification Summary - May 2015. Collection method: clinical testing. Allele origin: germline.

GeneDx
Classification: Likely benign. Last evaluated: 2018-05-10. Review status: criteria provided, single submitter. Criteria: GeneDx Variant Classification (06012015). Collection method: clinical testing. Allele origin: germline. Affected: yes.
Comment: This variant is considered likely benign or benign based on one or more of the following criteria: it is a conservative change, it occurs at a poorly conserved position in the protein, it is predicted to be benign by multiple in silico algorithms, and/or has population frequency not consistent with disease.

Ambry Genetics
Classification: Likely benign for Hereditary cancer-predisposing syndrome. Last evaluated: 2017-09-01. Review status: criteria provided, single submitter. Criteria: Ambry Variant Classification Scheme 2023. Collection method: clinical testing. Allele origin: germline.